The following is an entry in ClinVar:

ClinVar aggregate classification (germline): Conflicting classifications of pathogenicity. Review status: criteria provided, conflicting classifications (1 of 4 stars). 2 submissions from 2 submitters: Uncertain significance (1); Likely benign (1). Last evaluated 2024-02-24.

Allele frequency attached by ClinVar (database versions not stated): TOPMed below 0.00001; gnomAD exomes 0.00003 and 0.00005; ExAC 0.00005.
gnomAD v4.1: 45 of 1,613,678 alleles (0.0028%); highest among the groups gnomAD compares: South Asian, 0.048%; 1 homozygote.

Submissions (2):

Labcorp Genetics (formerly Invitae), Labcorp
Classification: Uncertain significance. Last evaluated: 2024-02-24. Review status: criteria provided, single submitter. Criteria: Invitae Variant Classification Sherloc (09022015). Collection method: clinical testing. Allele origin: germline.
Comment: This sequence change replaces valine, which is neutral and non-polar, with alanine, which is neutral and non-polar, at codon 949 of the VCAN protein (p.Val949Ala). This variant is present in population databases (rs756830408, gnomAD 0.04%). This missense change has been observed in individual(s) with retinitis pigmentosa (Invitae). ClinVar contains an entry for this variant (Variation ID: 1035694). Algorithms developed to predict the effect of missense changes on protein structure and function output the following: SIFT: "Not Available"; PolyPhen-2: "Benign"; Align-GVGD: "Not Available". The alanine amino acid residue is found in multiple mammalian species, which suggests that this missense change does not adversely affect protein function. In summary, the available evidence is currently insufficient to determine the role of this variant in disease. Therefore, it has been classified as a Variant of Uncertain Significance.

Blueprint Genetics
Classification: Likely benign. Last evaluated: 2019-03-21. Review status: criteria provided, single submitter. Criteria: ACMG Guidelines, 2015. Collection method: clinical testing. Allele origin: germline.

NM_004385.5(VCAN):c.2846T>C (p.Val949Ala)

Gene: VCAN (versican; plus strand). Cytogenetic location: 5q14.3.
Variant type: single nucleotide variant.
Coding change: c.2846T>C on transcript NM_004385.5 (MANE Select); coding-DNA position 2846, T replaced by C.
Protein change: p.Val949Ala; replaces valine 949 with alanine.
Molecular consequence: missense variant. On other transcripts: intron variant (2).
Genome position (GRCh38, 1-based): chr5:83,521,152, T>C. VCF-style: chr5-83521152-T-C. GRCh37 (hg19) VCF-style: chr5-82816971-T-C.
Other names: c.2846T>C, p.Val949Ala (NM_001164098.2); c.1042+8756T>C (NM_001164097.2, NM_001126336.3); short protein forms V949A.
Identifiers: ClinVar variation 1035694 (VCV001035694.9), dbSNP rs756830408, ClinGen allele CA3332903.
Genomic context (GRCh38, chr5:83,521,152, plus strand): 5'-AAGATGTGGACCTCTCTAAGCCAGTATCTACTGTTCCCCAATTTGCACACACTTCAGAGG[T>C]GGAAGGATTAGCATTTGTTAGTTATAGTAGCACCCAAGAGCCTACTACTTATGTAGACTC-3'
Protein context (NP_004376.2, residues 939-959): TVPQFAHTSE[Val949Ala]EGLAFVSYSS